The following is an entry in ClinVar:

ClinVar aggregate classification (germline): Pathogenic (1 of 4 stars; one submission).

Submission:

Quest Diagnostics Nichols Institute San Juan Capistrano
Classification: Pathogenic. Last evaluated: 2023-06-01. Review status: criteria provided, single submitter. Criteria: ACMG/ClinGen CNV Guidelines, 2019. Collection method: clinical testing. Allele origin: unknown.
Comment: The 4q12q13.3 deletion involves more than 50 protein-coding genes. Deletions overlapping the current interval have been reported in individuals with variable phenotypes (Carter 2017, Chen 2011, Hemati 2014, Hyder 2021, Quintela 2015). In addition, heterozygous variants of REST have been associated with autosomal dominant gingival fibromatosis 5 (GINGF5; OMIM 617626), autosomal dominant deafness 27 (DFNA27; OMIM 612431), and increased susceptibility to Wilms tumor (OMIM 616806). A smaller deletion was identified in an infant (Hyder 2021). There are no similar copy number losses of this region in the general populations of the Database of Genomic Variants. Thus, based on gene content and current medical literature, this copy number variant (CNV) is classified as pathogenic. References: _x000D__x000D_ Carter et al., Case Rep Genet. 2017;2017:4894515. PMID: 28819573_x000D__x000D_ Chen et al., Genet Couns. 2011;22(3):255-61. PMID: 22029166_x000D__x000D_ Hemati et al., Am J Med Genet A. 2015 Jan;167A(1):231-7. doi: 10.1002/ajmg.a.36821. Epub 2014 Oct 29. PMID: 25355368_x000D__x000D_ Hyder et al., J Med Genet. 2021 Sep;58(9):581-585. PMID: 32917767_x000D__x000D_ Quintela et al., Am J Med Genet A. 2015 Dec;167A(12):3113-20. PMID: 26284580

GRCh37/hg19 4q12-13.3(chr4:57584845-72430996)x1

Genes: ADGRL3 (adhesion G protein-coupled receptor L3; plus strand), AMBN (ameloblastin; plus strand), AMTN (amelotin; plus strand), CABS1 (calcium binding protein, spermatid associated 1; plus strand), CENPC (centromere protein C; minus strand) and 49 more. Cytogenetic location: 4q12-13.3.
Variant type: copy number loss.
Change: copy number 1 (one copy instead of two) of chr4:57,584,845-72,430,996 (14.85 Mb, GRCh37 coordinates, 1-based), cytogenetic band 4q12-13.3.
Identifiers: ClinVar variation 2685109 (VCV002685109.1).